The following is an entry in ClinVar:

ClinVar aggregate classification (germline): Uncertain significance. Review status: criteria provided, multiple submitters, no conflicts (2 of 4 stars). 3 submissions from 3 submitters: Uncertain significance (3). Last evaluated 2025-09-10.

Allele frequency attached by ClinVar (database versions not stated): ExAC 0.00001.
gnomAD v4.1: 60 of 1,613,298 alleles (0.0037%); highest among the groups gnomAD compares: Non-Finnish European, 0.0047%; no homozygotes.

Submissions (3):

Ambry Genetics
Classification: Uncertain significance. Last evaluated: 2025-09-10. Review status: criteria provided, single submitter. Criteria: Ambry Variant Classification Scheme 2023. Collection method: clinical testing. Allele origin: germline.

Labcorp Genetics (formerly Invitae), Labcorp
Classification: Uncertain significance. Last evaluated: 2023-06-08. Review status: criteria provided, single submitter. Criteria: Invitae Variant Classification Sherloc (09022015). Collection method: clinical testing. Allele origin: germline.
Comment: Advanced modeling of protein sequence and biophysical properties (such as structural, functional, and spatial information, amino acid conservation, physicochemical variation, residue mobility, and thermodynamic stability) performed at Invitae indicates that this missense variant is not expected to disrupt PRPF6 protein function. ClinVar contains an entry for this variant (Variation ID: 1434018). This variant has not been reported in the literature in individuals affected with PRPF6-related conditions. The frequency data for this variant in the population databases is considered unreliable, as metrics indicate poor data quality at this position in the gnomAD database. This sequence change replaces arginine, which is basic and polar, with histidine, which is basic and polar, at codon 936 of the PRPF6 protein (p.Arg936His). In summary, the available evidence is currently insufficient to determine the role of this variant in disease. Therefore, it has been classified as a Variant of Uncertain Significance.

Blueprint Genetics
Classification: Uncertain significance. Last evaluated: 2023-05-18. Review status: criteria provided, single submitter. Criteria: ACMG Guidelines, 2015. Collection method: clinical testing. Allele origin: germline.

NM_012469.4(PRPF6):c.2807G>A (p.Arg936His)

Gene: PRPF6 (pre-mRNA processing factor 6; plus strand). Cytogenetic location: 20q13.33.
Variant type: single nucleotide variant.
Coding change: c.2807G>A on transcript NM_012469.4 (MANE Select); coding-DNA position 2807, G replaced by A.
Protein change: p.Arg936His; replaces arginine 936 with histidine.
Molecular consequence: missense variant.
Genome position (GRCh38, 1-based): chr20:64,032,974, G>A. VCF-style: chr20-64032974-G-A. GRCh37 (hg19) VCF-style: chr20-62664327-G-A.
Other names: c.2807G>A (NM_012469.3); short protein forms R936H.
Identifiers: ClinVar variation 1434018 (VCV001434018.9), dbSNP rs748739869, ClinGen allele CA9972604.